The following is an entry in ClinVar:

ClinVar aggregate classification (germline): Likely pathogenic (1 of 4 stars; one submission).

Submission:

Quest Diagnostics Nichols Institute San Juan Capistrano
Classification: Likely pathogenic. Last evaluated: 2022-04-28. Review status: criteria provided, single submitter. Criteria: ACMG/ClinGen CNV Guidelines, 2019. Collection method: clinical testing. Allele origin: unknown.
Comment: The copy number gain of 16p13.3 involves two protein-coding genes, including multiple exons (NM_001116.4) of the 3' portion of ADCY9 (OMIM 603302), which is not currently associated with an OMIM phenotype, and CREBBP (OMIM 600140). It is not clear whether expression of ADCY9 has been disrupted by this partial gain. Heterozygous missense and loss-of-function variants of CREBBP, as well as hemizygous partial and whole-gene deletions, are associated with autosomal dominant Rubinstein-Taybi syndrome-1 (RSTS1, OMIM 180849) , which is characterized by intellectual disability, postnatal growth deficiency, microcephaly, broad thumbs and halluces, and dysmorphic facial features including highly arched eyebrows, long eyelashes, downslanting palpebral fissures, broad nasal bridge, beaked nose with the nasal septum, highly arched palate, mild micrognathia, and characteristic grimacing or abnormal smile. Heterozygous missense variants of CREBBP are also associated with autosomal dominant Menke-Hennekam syndrome-1 (MKHK1, OMIM 618332), which is a congenital disorder characterized by variable impairment of intellectual development and facial dysmorphisms. Feeding difficulties, autistic behavior, recurrent upper airway infections, hearing impairment, short stature, and microcephaly are also frequently seen. Although mutations in the same gene cause Rubinstein-Taybi syndrome-1, patients with MKHK1 do not resemble the characteristic phenotype of RSTS1. In addition, heterozygous duplications of the 16p13.3 region surrounding CREBBP, similar to the current gain, have been reported in numerous patients with autosomal dominant 16p13.3 duplication syndrome (OMIM 613458), which has a variable phenotypic presentation but often involves facial dysmorphism, ocular phenotypes (such as ptosis, strabismus, or myopia), speech problems, intellectual disability, mild musculoskeletal anomalies such as proximally implanted thumbs and camptodactyly, and sometimes cleft palate and congenital heart defects. The proposed critical region for this syndrome centers on CREBBP (Chen 2012, Demeer 2013, Lee 2016, Li 2013, Mattina 2012, Thienpont 2010). There are no similar copy number gains of this region in the general populations of the Database of Genomic Variants. Thus, the clinical significance of this copy number variant (CNV) is likely pathogenic. References: Chen et al. Am J Med Genet A. 2012 Mar;158A(3):685-8. PMID: 22307725. Demeer et al. Eur J Med Genet. 2013 Jan;56(1):26-31. PMID: 23063576. Lee et al. Eur J Med Genet. 2016 Apr;59(4):210-4. PMID: 26873618. Li et al. Gene. 2013 Dec 1;531(2):502-5. PMID: 24035902. Mattina et al. Eur J Med Genet. 2012 Dec;55(12):747-52. PMID: 23032921. Thienpont et al. J Med Genet. 2010 Mar;47(3):155-61. PMID: 19833603.

GRCh37/hg19 16p13.3(chr16:3772570-4156857)x3

Genes: ADCY9 (adenylate cyclase 9; minus strand), CREBBP (CREB binding protein; minus strand). Cytogenetic location: 16p13.3.
Variant type: copy number gain.
Change: copy number 3 (three copies instead of two) of chr16:3,772,570-4,156,857 (384.3 kb, GRCh37 coordinates, 1-based), cytogenetic band 16p13.3.
Identifiers: ClinVar variation 1808651 (VCV001808651.1).